The following is an entry in ClinVar:

NM_001382391.1(CSPP1):c.1834G>T (p.Glu612Ter)

Gene: CSPP1 (centrosome and spindle pole associated protein 1; plus strand). Cytogenetic location: 8q13.2.
Variant type: single nucleotide variant.
Coding change: c.1834G>T on transcript NM_001382391.1 (MANE Select); coding-DNA position 1834, G replaced by T.
Protein change: p.Glu612Ter; replaces glutamic acid 612 with a stop codon.
Molecular consequence: nonsense.
Genome position (GRCh38, 1-based): chr8:67,137,462, G>T. VCF-style: chr8-67137462-G-T. GRCh37 (hg19) VCF-style: chr8-68049697-G-T.
Other names: c.937G>T, p.Glu313Ter (NM_001291339.2); c.1753G>T, p.Glu585Ter (NM_001363131.2); c.1792G>T, p.Glu598Ter (NM_001363132.2); c.1711G>T, p.Glu571Ter (NM_001363133.2); c.1900G>T, p.Glu634Ter (NM_001364869.1); c.1720G>T, p.Glu574Ter (NM_001364870.1); c.1819G>T, p.Glu607Ter (NM_024790.7); short protein forms E571*, E607*, E612*, E634*, E313*, E574*, E585*, E598*.
Identifiers: ClinVar variation 1458591 (VCV001458591.6), dbSNP rs1225726214, ClinGen allele CA371205223.

ClinVar aggregate classification (germline): Pathogenic (1 of 4 stars; one submission).

Conditions:
Joubert syndrome 21 (JBTS21). Identifiers: MedGen C3810212, MONDO:0014288, OMIM 615636.

Allele frequency attached by ClinVar (database versions not stated): gnomAD 0.00001; TOPMed 0.00001.
gnomAD v4.1: 1 of 1,506,200 alleles (0.000066%); highest among the groups gnomAD compares: African/African-American, 0.0014%; no homozygotes.

Submission:

Labcorp Genetics (formerly Invitae), Labcorp
Classification: Pathogenic for Joubert syndrome 21. Last evaluated: 2022-07-25. Review status: criteria provided, single submitter. Criteria: Invitae Variant Classification Sherloc (09022015). Collection method: clinical testing. Allele origin: germline.
Comment: This sequence change creates a premature translational stop signal (p.Glu607*) in the CSPP1 gene. It is expected to result in an absent or disrupted protein product. Loss-of-function variants in CSPP1 are known to be pathogenic (PMID: 24360807, 24360808). For these reasons, this variant has been classified as Pathogenic. Algorithms developed to predict the effect of sequence changes on RNA splicing suggest that this variant may create or strengthen a splice site. ClinVar contains an entry for this variant (Variation ID: 1458591). This variant has not been reported in the literature in individuals affected with CSPP1-related conditions. This variant is not present in population databases (gnomAD no frequency).

Literature cited by the submitters: PubMed 24360807; PubMed 24360808.